The following is an entry in ClinVar:

NM_004655.4(AXIN2):c.640_648del (p.Gly214_Gly216del)

Gene: AXIN2 (axin 2; minus strand). Cytogenetic location: 17q24.1.
Variant type: Deletion.
Coding change: c.640_648del on transcript NM_004655.4 (MANE Select); coding-DNA positions 640 to 648, 9 bases deleted (GGACTCGGG; older notation c.640_648delGGACTCGGG).
Protein change: p.Gly214_Gly216del.
Molecular consequence: inframe indel (on NM_004655.3).
Genome position (GRCh38, 1-based): chr17:65,557,973-65,557,981, CCCGAGTCC deleted on the plus strand (GGACTCGGG on the coding strand, the reverse complement: AXIN2 is on the minus strand); deleting any 9 consecutive bases within chr17:65,557,973-65,557,984 gives the same sequence; the c. name uses the placement nearest the transcript's 3' end. VCF-style (leftmost placement, unchanged base first): chr17-65557972-TCCCGAGTCC-T. GRCh37 (hg19) VCF-style: chr17-63554090-TCCCGAGTCC-T.
Other names: c.640_648delGGACTCGGG (NM_004655.3); c.640_648del, p.Gly214_Gly216del (NM_001363813.1).
Identifiers: ClinVar variation 3980772 (VCV003980772.1).
Genomic context (GRCh38, chr17:65,557,972, plus strand): 5'-CACAAGTCCACTCCTCTTCTTCATTCAAGGTGGGGAGATAGCCACACACGACCTTTAGGC[TCCCGAGTCC>T]CCCATTACTCATGTAAGCTGTGTTTTCTCCCCCACTCCTCACATATTCGAGGTATATATC-3'

ClinVar aggregate classification (germline): Uncertain significance (1 of 4 stars; one submission).

Conditions:
Hereditary cancer-predisposing syndrome. Also called: Tumor predisposition; Hereditary neoplastic syndrome; Neoplastic Syndromes, Hereditary; Hereditary Cancer Syndrome. Identifiers: Orphanet 140162, MedGen C0027672, MeSH D009386, MONDO:0015356.

Submission:

Ambry Genetics
Classification: Uncertain significance for Hereditary cancer-predisposing syndrome. Last evaluated: 2025-03-25. Review status: criteria provided, single submitter. Criteria: Ambry Variant Classification Scheme 2023. Collection method: clinical testing. Allele origin: germline.
Comment: The c.640_648delGGACTCGGG variant (also known as p.G214_G216del) is located in coding exon 1 of the AXIN2 gene. This variant results from an in-frame GGACTCGGG deletion at nucleotide positions 640 to 648. This results in the in-frame deletion of three amino acids at codons 214 to 216. This amino acid region is highly conserved in available vertebrate species. In addition, this alteration is predicted to be deleterious by in silico analysis (Choi Y et al. PLoS ONE. 2012; 7(10):e46688). Based on the available evidence, the clinical significance of this variant remains unclear.